The following is an entry in ClinVar:

NM_205836.3(FBXO38):c.3136C>T (p.Arg1046Cys)

Gene: FBXO38 (F-box protein 38; plus strand). Cytogenetic location: 5q32.
Variant type: single nucleotide variant.
Coding change: c.3136C>T on transcript NM_205836.3 (MANE Select); coding-DNA position 3136, C replaced by T.
Protein change: p.Arg1046Cys; replaces arginine 1046 with cysteine.
Molecular consequence: missense variant.
Genome position (GRCh38, 1-based): chr5:148,439,758, C>T. VCF-style: chr5-148439758-C-T. GRCh37 (hg19) VCF-style: chr5-147819321-C-T.
Other names: c.2401C>T, p.Arg801Cys (NM_001271723.2); c.2911C>T, p.Arg971Cys (NM_030793.5); short protein forms R801C, R971C, R1046C.
Identifiers: ClinVar variation 2848203 (VCV002848203.3), dbSNP rs778665975, ClinGen allele CA3497671.

ClinVar aggregate classification (germline): Uncertain significance (1 of 4 stars; one submission).

Conditions:
Distal hereditary motor neuropathy type 2. Identifiers: Orphanet 139525, MedGen C3711384, MeSH C580044, MONDO:0015352.

Allele frequency attached by ClinVar (database versions not stated): gnomAD exomes below 0.00001; ExAC 0.00001.
gnomAD v4.1: 1 of 1,614,034 alleles (0.000062%); highest among the groups gnomAD compares: African/African-American, 0.0013%; no homozygotes.

Submission:

Labcorp Genetics (formerly Invitae), Labcorp
Classification: Uncertain significance for Distal hereditary motor neuropathy type 2. Last evaluated: 2022-12-12. Review status: criteria provided, single submitter. Criteria: Invitae Variant Classification Sherloc (09022015). Collection method: clinical testing. Allele origin: germline.
Comment: In summary, the available evidence is currently insufficient to determine the role of this variant in disease. Therefore, it has been classified as a Variant of Uncertain Significance. Algorithms developed to predict the effect of missense changes on protein structure and function are either unavailable or do not agree on the potential impact of this missense change (SIFT: "Deleterious"; PolyPhen-2: "Probably Damaging"; Align-GVGD: "Class C0"). This variant has not been reported in the literature in individuals affected with FBXO38-related conditions. This variant is present in population databases (rs778665975, gnomAD 0.0009%). This sequence change replaces arginine, which is basic and polar, with cysteine, which is neutral and slightly polar, at codon 971 of the FBXO38 protein (p.Arg971Cys).